The following is an entry in ClinVar:

NM_052947.4(ALPK2):c.6091G>A (p.Glu2031Lys)

Gene: ALPK2 (alpha kinase 2; minus strand). Cytogenetic location: 18q21.31.
Variant type: single nucleotide variant.
Coding change: c.6091G>A on transcript NM_052947.4 (MANE Select); coding-DNA position 6091, G replaced by A.
Protein change: p.Glu2031Lys; replaces glutamic acid 2031 with lysine.
Molecular consequence: missense variant.
Genome position (GRCh38, 1-based): chr18:58,504,087, C>T on the plus strand (G>A on the coding strand, the complement: ALPK2 is on the minus strand). VCF-style: chr18-58504087-C-T. GRCh37 (hg19) VCF-style: chr18-56171319-C-T.
Other names: short protein forms E2031K.
Identifiers: ClinVar variation 1751512 (VCV001751512.2), dbSNP rs765861308, ClinGen allele CA8976257.
Genomic context (GRCh38, chr18:58,504,087, plus strand): 5'-AGAAGTTTATTTCTTTCCCATCCCTGATGGAATACTTCACAAATTCTCCAATCAGCTCCT[C>T]CTCCACTGTAGCATACGGGATATTGTTCTCAGGCCGATGGATAAGAAAAATAGGAATGAT-3'
Protein context (NP_443179.3, residues 2021-2041): ENNIPYATVE[Glu2031Lys]ELIGEFVKYS

ClinVar aggregate classification (germline): Uncertain significance (1 of 4 stars; one submission).

Allele frequency attached by ClinVar (database versions not stated): TOPMed below 0.00001; gnomAD exomes 0.00001; ExAC 0.00002.
gnomAD v4.1: 11 of 1,614,212 alleles (0.00068%); highest among the groups gnomAD compares: South Asian, 0.0011%; no homozygotes.

Submission:

Ambry Genetics
Classification: Uncertain significance. Last evaluated: 2024-01-19. Review status: criteria provided, single submitter. Criteria: Ambry Variant Classification Scheme 2023. Collection method: clinical testing. Allele origin: germline.
Comment: The p.E2031K variant (also known as c.6091G>A), located in coding exon 10 of the ALPK2 gene, results from a G to A substitution at nucleotide position 6091. The glutamic acid at codon 2031 is replaced by lysine, an amino acid with similar properties. This amino acid position is conserved. In addition, this alteration is predicted to be tolerated by in silico analysis. Since supporting evidence is limited at this time, the clinical significance of this alteration remains unclear.